The following is an entry in ClinVar:

ClinVar aggregate classification (germline): Uncertain significance (1 of 4 stars; one submission).

Conditions:
Developmental and epileptic encephalopathy, 42 (DEE42A). Also called: DEVELOPMENTAL AND EPILEPTIC ENCEPHALOPATHY 42A; EPILEPTIC ENCEPHALOPATHY, EARLY INFANTILE, 42A; Epileptic encephalopathy, early infantile, 42. Identifiers: MedGen C4310716, MONDO:0014917, OMIM 617106.
Episodic ataxia type 2 (EA2). Also called: ATAXIA, EPISODIC, WITH NYSTAGMUS; ATAXIA, FAMILIAL PAROXYSMAL; CEREBELLAR ATAXIA, PAROXYSMAL, ACETAZOLAMIDE-RESPONSIVE; CEREBELLOPATHY, HEREDITARY PAROXYSMAL; EPISODIC ATAXIA, NYSTAGMUS-ASSOCIATED; ACETAZOLAMIDE-RESPONSIVE HEREDITARY PAROXYSMAL CEREBELLAR ATAXIA. Identifiers: Orphanet 97, MedGen C1720416, MONDO:0007163, OMIM 108500.

Submission:

Labcorp Genetics (formerly Invitae), Labcorp
Classification: Uncertain significance for Developmental and epileptic encephalopathy, 42; Episodic ataxia type 2. Last evaluated: 2022-08-23. Review status: criteria provided, single submitter. Criteria: Invitae Variant Classification Sherloc (09022015). Collection method: clinical testing. Allele origin: germline.
Comment: In summary, the available evidence is currently insufficient to determine the role of this variant in disease. Therefore, it has been classified as a Variant of Uncertain Significance. This sequence change replaces isoleucine, which is neutral and non-polar, with methionine, which is neutral and non-polar, at codon 1901 of the CACNA1A protein (p.Ile1901Met). This variant is not present in population databases (gnomAD no frequency). This missense change has been observed in individual(s) with sensory ataxia (PMID: 29482223). This variant is also known as p.Ile1900Met. Algorithms developed to predict the effect of missense changes on protein structure and function are either unavailable or do not agree on the potential impact of this missense change (SIFT: "Deleterious"; PolyPhen-2: "Probably Damaging"; Align-GVGD: "Class C0").

Literature cited by the submitters: PubMed 29482223.

NM_001127222.2(CACNA1A):c.5700C>G (p.Ile1900Met)

Gene: CACNA1A (calcium voltage-gated channel subunit alpha1 A; minus strand). Cytogenetic location: 19p13.13.
Variant type: single nucleotide variant.
Coding change: c.5700C>G on transcript NM_001127222.2 (MANE Select); coding-DNA position 5700, C replaced by G.
Protein change: p.Ile1900Met; replaces isoleucine 1900 with methionine.
Molecular consequence: missense variant.
Genome position (GRCh38, 1-based): chr19:13,224,698, G>C on the plus strand (C>G on the coding strand, the complement: CACNA1A is on the minus strand). VCF-style: chr19-13224698-G-C. GRCh37 (hg19) VCF-style: chr19-13335512-G-C.
Other names: c.5718C>G, p.Ile1906Met (NM_000068.4, NM_023035.3); c.5703C>G, p.Ile1901Met (NM_001127221.2); c.5709C>G, p.Ile1903Met (NM_001174080.2); short protein forms I1901M, I1903M, I1906M, I1900M.
Identifiers: ClinVar variation 2152311 (VCV002152311.4), dbSNP rs2512589845, ClinGen allele CA404336876.